The following is an entry in ClinVar:

NM_032608.7(MYO18B):c.6838A>C (p.Ile2280Leu)

Gene: MYO18B (myosin XVIIIB; plus strand). Cytogenetic location: 22q12.1.
Variant type: single nucleotide variant.
Coding change: c.6838A>C on transcript NM_032608.7 (MANE Select); coding-DNA position 6838, A replaced by C.
Protein change: p.Ile2280Leu; replaces isoleucine 2280 with leucine.
Molecular consequence: missense variant.
Genome position (GRCh38, 1-based): chr22:26,026,812, A>C. VCF-style: chr22-26026812-A-C. GRCh37 (hg19) VCF-style: chr22-26422778-A-C.
Other names: c.6841A>C, p.Ile2281Leu (NM_001318245.2); c.6838A>C (NM_032608.5); short protein forms I2280L, I2281L.
Identifiers: ClinVar variation 2176861 (VCV002176861.4), dbSNP rs369492493, ClinGen allele CA10161628.

ClinVar aggregate classification (germline): Uncertain significance. Review status: criteria provided, multiple submitters, no conflicts (2 of 4 stars). 3 submissions from 3 submitters: Uncertain significance (3). Last evaluated 2025-05-20.

Conditions:
Klippel-Feil anomaly-myopathy-facial dysmorphism syndrome. Also called: Klippel-feil syndrome 4, autosomal recessive, with nemaline myopathy and facial dysmorphism; Klippel-Feil syndrome 4, autosomal recessive, with myopathy and facial dysmorphism. Identifiers: Orphanet 447974, MedGen C4225285, MONDO:0014689, OMIM 616549.
Inborn genetic diseases. Identifiers: MedGen C0950123, MeSH D030342.

Allele frequency attached by ClinVar (database versions not stated): 1000 Genomes Project 0.00020; ESP Exome Variant Server 0.00008; 1000 Genomes Project 30x 0.00016; TOPMed 0.00017.
gnomAD v4.1: 24 of 1,595,476 alleles (0.0015%); highest among the groups gnomAD compares: African/African-American, 0.03%; no homozygotes.

Submissions (3):

Ambry Genetics
Classification: Uncertain significance for Inborn genetic diseases. Last evaluated: 2025-05-20. Review status: criteria provided, single submitter. Criteria: Ambry Variant Classification Scheme 2023. Collection method: clinical testing. Allele origin: germline.

Revvity Omics, Revvity
Classification: Uncertain significance for Klippel-Feil anomaly-myopathy-facial dysmorphism syndrome. Last evaluated: 2024-06-20. Review status: criteria provided, single submitter. Criteria: ACMG Guidelines, 2015. Collection method: clinical testing. Allele origin: germline.

Labcorp Genetics (formerly Invitae), Labcorp
Classification: Uncertain significance. Last evaluated: 2022-11-01. Review status: criteria provided, single submitter. Criteria: Invitae Variant Classification Sherloc (09022015). Collection method: clinical testing. Allele origin: germline.
Comment: This sequence change replaces isoleucine, which is neutral and non-polar, with leucine, which is neutral and non-polar, at codon 2280 of the MYO18B protein (p.Ile2280Leu). This variant is present in population databases (rs369492493, gnomAD 0.03%). This variant has not been reported in the literature in individuals affected with MYO18B-related conditions. Algorithms developed to predict the effect of missense changes on protein structure and function are either unavailable or do not agree on the potential impact of this missense change (SIFT: "Not Available"; PolyPhen-2: "Possibly Damaging"; Align-GVGD: "Not Available"). In summary, the available evidence is currently insufficient to determine the role of this variant in disease. Therefore, it has been classified as a Variant of Uncertain Significance.